The following is an entry in ClinVar:

NM_014363.6(SACS):c.7052A>G (p.Asn2351Ser)

Gene: SACS (sacsin molecular chaperone; minus strand). Cytogenetic location: 13q12.12.
Variant type: single nucleotide variant.
Coding change: c.7052A>G on transcript NM_014363.6 (MANE Select); coding-DNA position 7052, A replaced by G.
Protein change: p.Asn2351Ser; replaces asparagine 2351 with serine.
Molecular consequence: missense variant.
Genome position (GRCh38, 1-based): chr13:23,336,824, T>C on the plus strand (A>G on the coding strand, the complement: SACS is on the minus strand). VCF-style: chr13-23336824-T-C. GRCh37 (hg19) VCF-style: chr13-23910963-T-C.
Other names: c.6611A>G, p.Asn2204Ser (NM_001278055.2); c.7052A>G (NM_014363.4); short protein forms N2204S, N2351S.
Identifiers: ClinVar variation 2082858 (VCV002082858.6), dbSNP rs2542240123, ClinGen allele CA387520154.
Genomic context (GRCh38, chr13:23,336,824, plus strand): 5'-AGGTATGGTGCCGCCTCAAAATTTAAATGAAAAGAAACCTTTTCTGAGTCAACATATGCA[T>C]TCTCAACTAGAATGAAGCTAAAGGGTTTTAACTTATCAATAATTGACATCTTAGTGATTT-3'
Protein context (NP_055178.3, residues 2341-2361): LKPFSFILVE[Asn2351Ser]AYVDSEKVSF

ClinVar aggregate classification (germline): Uncertain significance. Review status: criteria provided, multiple submitters, no conflicts (2 of 4 stars). 2 submissions from 2 submitters: Uncertain significance (2). Last evaluated 2025-08-15.

Conditions:
Spastic paraplegia. Identifiers: MedGen C0037772, HP:0001258.
Inborn genetic diseases. Identifiers: MedGen C0950123, MeSH D030342.

Submissions (2):

Labcorp Genetics (formerly Invitae), Labcorp
Classification: Uncertain significance for Spastic paraplegia. Last evaluated: 2025-08-15. Review status: criteria provided, single submitter. Criteria: Invitae Variant Classification Sherloc (09022015). Collection method: clinical testing. Allele origin: germline.
Comment: This sequence change replaces asparagine, which is neutral and polar, with serine, which is neutral and polar, at codon 2351 of the SACS protein (p.Asn2351Ser). This variant is not present in population databases (gnomAD no frequency). This variant has not been reported in the literature in individuals affected with SACS-related conditions. ClinVar contains an entry for this variant (Variation ID: 2082858). Invitae Evidence Modeling of protein sequence and biophysical properties (such as structural, functional, and spatial information, amino acid conservation, physicochemical variation, residue mobility, and thermodynamic stability) indicates that this missense variant is not expected to disrupt SACS protein function with a negative predictive value of 95%. In summary, the available evidence is currently insufficient to determine the role of this variant in disease. Therefore, it has been classified as a Variant of Uncertain Significance.

Ambry Genetics
Classification: Uncertain significance for Inborn genetic diseases. Last evaluated: 2023-03-07. Review status: criteria provided, single submitter. Criteria: Ambry Variant Classification Scheme 2023. Collection method: clinical testing. Allele origin: germline.